The following is an entry in ClinVar:

NM_001035.3(RYR2):c.11877G>A (p.Ser3959=)

Gene: RYR2 (ryanodine receptor 2; plus strand). Cytogenetic location: 1q43.
Variant type: single nucleotide variant.
Coding change: c.11877G>A on transcript NM_001035.3 (MANE Select); coding-DNA position 11877, G replaced by A.
Protein change: p.Ser3959=; no amino-acid change (serine 3959 retained).
Molecular consequence: synonymous variant.
Genome position (GRCh38, 1-based): chr1:237,778,767, G>A. VCF-style: chr1-237778767-G-A. GRCh37 (hg19) VCF-style: chr1-237942067-G-A.
Identifiers: ClinVar variation 702186 (VCV000702186.20), dbSNP rs754610647, ClinGen allele CA085067.
Genomic context (GRCh38, chr1:237,778,767, plus strand): 5'-GCTGTGGGATGCTGTGGTCGGCTTTCTTCATGTGTTTGCCCATATGCAGATGAAGCTGTC[G>A]CAGGTAAACTAACTAACTGCCTTCCTCTCTCTTAAATGACAAACTGGAGACTGTAATCAT-3'
Protein context (NP_001026.2, residues 3949-3969): HVFAHMQMKL[Ser3959=]QDSSQIELLK

ClinVar aggregate classification (germline): Conflicting classifications of pathogenicity. Review status: criteria provided, conflicting classifications (1 of 4 stars). 7 submissions from 6 submitters: Uncertain significance (2); Likely benign (5). Last evaluated 2026-01-26.

Conditions:
Catecholaminergic polymorphic ventricular tachycardia (CVPT). Also called: Catecholamine-induced polymorphic ventricular tachycardia. Identifiers: Orphanet 3286, MedGen C5574922, MONDO:0017990.
Cardiomyopathy (CMYO). Also called: Cardiomyopathies. Identifiers: Orphanet 167848, MedGen C0878544, MONDO:0004994, HP:0001638. Inheritance: Various modes of inheritance.
Arrhythmogenic right ventricular dysplasia 2. Identifiers: MedGen C1832931.
Cardiovascular phenotype. Identifiers: MedGen CN230736.
Catecholaminergic polymorphic ventricular tachycardia 1. Also called: VENTRICULAR TACHYCARDIA, CATECHOLAMINERGIC POLYMORPHIC, 1, WITH OR WITHOUT ATRIAL DYSFUNCTION AND/OR DILATED CARDIOMYOPATHY; VENTRICULAR TACHYCARDIA, STRESS-INDUCED POLYMORPHIC 1; RYR2-Related Catecholaminergic Polymorphic Ventricular Tachycardia. Identifiers: Orphanet 3286, MedGen C1631597, MONDO:0011484, OMIM 604772.

Allele frequency attached by ClinVar (database versions not stated): gnomAD 0.00003; TOPMed 0.00005.
gnomAD v4.1: 52 of 1,562,142 alleles (0.0033%); highest among the groups gnomAD compares: East Asian, 0.0045%; no homozygotes.

Submissions (7):

Labcorp Genetics (formerly Invitae), Labcorp
Classification: Likely benign for Catecholaminergic polymorphic ventricular tachycardia 1. Last evaluated: 2026-01-26. Review status: criteria provided, single submitter. Criteria: Invitae Variant Classification Sherloc (09022015). Collection method: clinical testing. Allele origin: germline.

All of Us Research Program, National Institutes of Health
Classification: Likely benign for Catecholaminergic polymorphic ventricular tachycardia. Last evaluated: 2023-08-28. Review status: criteria provided, single submitter. Criteria: ACMG Guidelines, 2015. Collection method: clinical testing. Allele origin: germline. Inheritance: Autosomal dominant inheritance. Observed: 4 variant alleles, 4 heterozygotes.
Comment: This study involves interpretation of variants in research participants for the purpose of population health screening. Participant phenotype was not available at the time of variant classification. Additional details can be found in publication PMID: 35346344, PMCID: PMC8962531

Women's Health and Genetics/Laboratory Corporation of America, LabCorp
Classification: Likely benign. Last evaluated: 2021-08-05. Review status: criteria provided, single submitter. Criteria: LabCorp Variant Classification Summary - May 2015. Collection method: clinical testing. Allele origin: germline.

Ambry Genetics
Classification: Likely benign for Cardiovascular phenotype. Last evaluated: 2020-07-28. Review status: criteria provided, single submitter. Criteria: Ambry Variant Classification Scheme 2023. Collection method: clinical testing. Allele origin: germline.

Color Diagnostics, LLC DBA Color Health
Classification: Likely benign for Cardiomyopathy. Last evaluated: 2019-12-29. Review status: criteria provided, single submitter. Criteria: ACMG Guidelines, 2015. Collection method: clinical testing. Allele origin: germline.

Illumina Laboratory Services, Illumina
Classification: Uncertain significance for Catecholaminergic polymorphic ventricular tachycardia 1. Last evaluated: 2018-01-12. Review status: criteria provided, single submitter. Criteria: ICSL Variant Classification Criteria 13 December 2019. Collection method: clinical testing. Allele origin: germline.

Illumina Laboratory Services, Illumina
Classification: Uncertain significance for Catecholaminergic polymorphic ventricular tachycardia 1. Last evaluated: 2018-01-12. Review status: criteria provided, single submitter. Criteria: ICSL Variant Classification Criteria 13 December 2019. Collection method: clinical testing. Allele origin: germline.